The following is an entry in ClinVar:

ClinVar aggregate classification (germline): Pathogenic. Review status: criteria provided, multiple submitters, no conflicts (2 of 4 stars). 3 submissions from 3 submitters: Pathogenic (2). 1 of the submissions does not count toward it. Last evaluated 2025-04-07.

Conditions:
Subcortical laminar heterotopia, X-linked (SCLH). Also called: Subcortical laminal heterotopia, X-linked. Identifiers: MedGen C1848070.

Submissions (3):

Labcorp Genetics (formerly Invitae), Labcorp
Classification: Pathogenic. Last evaluated: 2025-04-07. Review status: criteria provided, single submitter. Criteria: Invitae Variant Classification Sherloc (09022015). Collection method: clinical testing. Allele origin: germline.
Comment: This sequence change replaces arginine, which is basic and polar, with histidine, which is basic and polar, at codon 78 of the DCX protein (p.Arg78His). This variant is not present in population databases (gnomAD no frequency). This missense change has been observed in individual(s) with lissencephaly and subcortical band heterotopia (PMID: 10441340; internal data). In at least one individual the variant was observed to be de novo. ClinVar contains an entry for this variant (Variation ID: 11607). Invitae Evidence Modeling of protein sequence and biophysical properties (such as structural, functional, and spatial information, amino acid conservation, physicochemical variation, residue mobility, and thermodynamic stability) indicates that this missense variant is expected to disrupt DCX protein function with a positive predictive value of 80%. This variant disrupts the p.Arg78 amino acid residue in DCX. Other variant(s) that disrupt this residue have been determined to be pathogenic (PMID: 23365099). This suggests that this residue is clinically significant, and that variants that disrupt this residue are likely to be disease-causing. For these reasons, this variant has been classified as Pathogenic.

GeneDx
Classification: Pathogenic. Last evaluated: 2024-12-18. Review status: criteria provided, single submitter. Criteria: GeneDx Variant Classification Process June 2021. Collection method: clinical testing. Allele origin: germline. Affected: yes.
Comment: Published functional studies indicate that this variant impacts the function of the DCX protein (PMID: 22727374); Not observed at significant frequency in large population cohorts (gnomAD); In silico analysis supports that this missense variant has a deleterious effect on protein structure/function; This variant is associated with the following publications: (PMID: 12692530, 38045215, 23365099, 10441340, 22727374)

OMIM
Classification: Pathogenic for SUBCORTICAL LAMINAR HETEROTOPIA, X-LINKED. Last evaluated: 1999-09-01. Review status: no assertion criteria provided. Collection method: literature only. Allele origin: germline. Not counted in ClinVar's aggregate classification.

Literature cited by the submitters: PubMed 10441340 (cited by Labcorp Genetics (formerly Invitae), Labcorp and OMIM); PubMed 23365099 (cited by Labcorp Genetics (formerly Invitae), Labcorp).

NM_001195553.2(DCX):c.233G>A (p.Arg78His)

Gene: DCX (doublecortin; minus strand). Cytogenetic location: Xq23.
Variant type: single nucleotide variant.
Coding change: c.233G>A on transcript NM_001195553.2 (MANE Select); coding-DNA position 233, G replaced by A.
Protein change: p.Arg78His; replaces arginine 78 with histidine.
Molecular consequence: missense variant.
Genome position (GRCh38, 1-based): chrX:111,410,166, C>T on the plus strand (G>A on the coding strand, the complement: DCX is on the minus strand). VCF-style: chrX-111410166-C-T. GRCh37 (hg19) VCF-style: chrX-110653394-C-T.
Other names: c.476G>A, p.Arg159His (NM_000555.3); c.233G>A, p.Arg78His (NM_001369370.1, NM_001369371.1, NM_001369372.1 and 5 more transcripts); c.233G>A (NM_178153.1); short protein forms R78H, R159H.
Identifiers: ClinVar variation 11607 (VCV000011607.4), dbSNP rs104894784, ClinGen allele CA121602.